The following is an entry in ClinVar:

ClinVar aggregate classification (germline): Uncertain significance (1 of 4 stars; one submission).

Allele frequency attached by ClinVar (database versions not stated): gnomAD exomes below 0.00001 and 0.00002; ExAC 0.00001.
gnomAD v4.1: 7 of 1,614,172 alleles (0.00043%); highest among the groups gnomAD compares: South Asian, 0.0011%; no homozygotes.

Submission:

Labcorp Genetics (formerly Invitae), Labcorp
Classification: Uncertain significance. Last evaluated: 2024-02-20. Review status: criteria provided, single submitter. Criteria: Invitae Variant Classification Sherloc (09022015). Collection method: clinical testing. Allele origin: germline.
Comment: This sequence change replaces aspartic acid, which is acidic and polar, with asparagine, which is neutral and polar, at codon 371 of the IDH3B protein (p.Asp371Asn). This variant is present in population databases (rs748311431, gnomAD 0.006%). This variant has not been reported in the literature in individuals affected with IDH3B-related conditions. ClinVar contains an entry for this variant (Variation ID: 835898). Advanced modeling of protein sequence and biophysical properties (such as structural, functional, and spatial information, amino acid conservation, physicochemical variation, residue mobility, and thermodynamic stability) has been performed at Invitae for this missense variant, however the output from this modeling did not meet the statistical confidence thresholds required to predict the impact of this variant on IDH3B protein function. In summary, the available evidence is currently insufficient to determine the role of this variant in disease. Therefore, it has been classified as a Variant of Uncertain Significance.

NM_006899.5(IDH3B):c.1111G>A (p.Asp371Asn)

Gene: IDH3B (isocitrate dehydrogenase (NAD(+)) 3 non-catalytic subunit beta; minus strand). Cytogenetic location: 20p13.
Variant type: single nucleotide variant.
Coding change: c.1111G>A on transcript NM_006899.5 (MANE Select); coding-DNA position 1111, G replaced by A.
Protein change: p.Asp371Asn; replaces aspartic acid 371 with asparagine.
Molecular consequence: missense variant. On other transcripts: non-coding transcript variant (1), intron variant (1).
Genome position (GRCh38, 1-based): chr20:2,658,798, C>T on the plus strand (G>A on the coding strand, the complement: IDH3B is on the minus strand). VCF-style: chr20-2658798-C-T. GRCh37 (hg19) VCF-style: chr20-2639444-C-T.
Other names: c.1111G>A, p.Asp371Asn (NM_001330763.2); c.1072-276G>A (NM_174855.4); short protein forms D371N.
Identifiers: ClinVar variation 835898 (VCV000835898.6), dbSNP rs748311431, ClinGen allele CA9735047.